The following is an entry in ClinVar:

NM_198060.4(NRAP):c.1803G>T (p.Arg601Ser)

Gene: NRAP (nebulin related anchoring protein; minus strand). Cytogenetic location: 10q25.3.
Variant type: single nucleotide variant.
Coding change: c.1803G>T on transcript NM_198060.4 (MANE Select); coding-DNA position 1803, G replaced by T.
Protein change: p.Arg601Ser; replaces arginine 601 with serine.
Molecular consequence: missense variant.
Genome position (GRCh38, 1-based): chr10:113,631,548, C>A on the plus strand (G>T on the coding strand, the complement: NRAP is on the minus strand). VCF-style: chr10-113631548-C-A. GRCh37 (hg19) VCF-style: chr10-115391307-C-A.
Other names: c.1803G>T, p.Arg601Ser (NM_001261463.2, NM_001322945.2); c.1698G>T, p.Arg566Ser (NM_006175.5); short protein forms R566S, R601S.
Identifiers: ClinVar variation 3895140 (VCV003895140.1), dbSNP rs140122028.

ClinVar aggregate classification (germline): Uncertain significance (1 of 4 stars; one submission).

Conditions:
Cardiovascular phenotype. Identifiers: MedGen CN230736.

Submission:

Molecular Diagnostic Laboratory for Inherited Cardiovascular Disease, Montreal Heart Institute
Classification: Uncertain significance for Cardiovascular phenotype. Last evaluated: 2025-04-09. Review status: criteria provided, single submitter. Criteria: ACMG Guidelines, 2015. Collection method: clinical testing. Allele origin: germline. Affected: yes.
Comment: PM2, BP4